The following is an entry in ClinVar:

ClinVar aggregate classification (germline): Uncertain significance. Review status: criteria provided, multiple submitters, no conflicts (2 of 4 stars). 2 submissions from 2 submitters: Uncertain significance (2). Last evaluated 2024-08-26.

Conditions:
Hereditary cancer-predisposing syndrome. Also called: Hereditary neoplastic syndrome; Tumor predisposition; Hereditary Cancer Syndrome; Neoplastic Syndromes, Hereditary. Identifiers: Orphanet 140162, MedGen C0027672, MeSH D009386, MONDO:0015356.
DICER1-related tumor predisposition. Also called: DICER1-related pleuropulmonary blastoma cancer predisposition syndrome; DICER1 syndrome. Identifiers: Orphanet 284343, MedGen C3839822, MONDO:0100216.

Submissions (2):

Ambry Genetics
Classification: Uncertain significance for Hereditary cancer-predisposing syndrome. Last evaluated: 2024-08-26. Review status: criteria provided, single submitter. Criteria: Ambry Variant Classification Scheme 2023. Collection method: clinical testing. Allele origin: germline.
Comment: The p.T1173A variant (also known as c.3517A>G), located in coding exon 20 of the DICER1 gene, results from an A to G substitution at nucleotide position 3517. The threonine at codon 1173 is replaced by alanine, an amino acid with similar properties. This amino acid position is conserved. In addition, this alteration is predicted to be tolerated by in silico analysis. Based on the available evidence, the clinical significance of this variant remains unclear.

Labcorp Genetics (formerly Invitae), Labcorp
Classification: Uncertain significance for DICER1-related tumor predisposition. Last evaluated: 2021-12-21. Review status: criteria provided, single submitter. Criteria: Invitae Variant Classification Sherloc (09022015). Collection method: clinical testing. Allele origin: germline.
Comment: Algorithms developed to predict the effect of missense changes on protein structure and function output the following: SIFT: "Tolerated"; PolyPhen-2: "Benign"; Align-GVGD: "Class C0". The alanine amino acid residue is found in multiple mammalian species, which suggests that this missense change does not adversely affect protein function. This variant has not been reported in the literature in individuals affected with DICER1-related conditions. This variant is not present in population databases (gnomAD no frequency). This sequence change replaces threonine, which is neutral and polar, with alanine, which is neutral and non-polar, at codon 1173 of the DICER1 protein (p.Thr1173Ala). In summary, the available evidence is currently insufficient to determine the role of this variant in disease. Therefore, it has been classified as a Variant of Uncertain Significance.

NM_177438.3(DICER1):c.3517A>G (p.Thr1173Ala)

Gene: DICER1 (dicer 1, ribonuclease III; minus strand). Cytogenetic location: 14q32.13.
Variant type: single nucleotide variant.
Coding change: c.3517A>G on transcript NM_177438.3 (MANE Select); coding-DNA position 3517, A replaced by G.
Protein change: p.Thr1173Ala; replaces threonine 1173 with alanine.
Molecular consequence: missense variant.
Genome position (GRCh38, 1-based): chr14:95,103,879, T>C on the plus strand (A>G on the coding strand, the complement: DICER1 is on the minus strand). VCF-style: chr14-95103879-T-C. GRCh37 (hg19) VCF-style: chr14-95570216-T-C.
Other names: c.3517A>G (NM_177438.2); c.3517A>G, p.Thr1173Ala (NM_001195573.1, NM_001271282.3, NM_001291628.2 and 1 more transcripts); short protein forms T1173A.
Identifiers: ClinVar variation 1425316 (VCV001425316.10), dbSNP rs2139966545, ClinGen allele CA390875101.